The following is an entry in ClinVar:

NM_020988.3(GNAO1):c.991_1002del (p.Asn331_Val334del)

Gene: GNAO1 (G protein subunit alpha o1; plus strand). Cytogenetic location: 16q13.
Variant type: Deletion.
Coding change: c.991_1002del on transcript NM_020988.3 (MANE Select); coding-DNA positions 991 to 1002, 12 bases deleted (AACATCCAGGTG).
Protein change: p.Asn331_Val334del.
Genome position (GRCh38, 1-based): chr16:56,354,979-56,354,990, AACATCCAGGTG deleted. VCF-style (leftmost placement, unchanged base first): chr16-56354978-TAACATCCAGGTG-T. GRCh37 (hg19) VCF-style: chr16-56388890-TAACATCCAGGTG-T.
Identifiers: ClinVar variation 3647806 (VCV003647806.2).

ClinVar aggregate classification (germline): Uncertain significance (1 of 4 stars; one submission).

Conditions:
Early-infantile DEE. Also called: Early infantile epileptic encephalopathy; Ohtahara syndrome; Early infantile epileptic encephalopathy with suppression bursts. Identifiers: Orphanet 1934, MedGen C0393706, MONDO:0800491.

Submission:

Labcorp Genetics (formerly Invitae), Labcorp
Classification: Uncertain significance for Early-infantile DEE. Last evaluated: 2024-03-27. Review status: criteria provided, single submitter. Criteria: Invitae Variant Classification Sherloc (09022015). Collection method: clinical testing. Allele origin: germline.
Comment: This variant, c.991_1002del, results in the deletion of 4 amino acid(s) of the GNAO1 protein (p.Asn331_Val334del), but otherwise preserves the integrity of the reading frame. This variant is not present in population databases (gnomAD no frequency). This variant has not been reported in the literature in individuals affected with GNAO1-related conditions. Experimental studies and prediction algorithms are not available or were not evaluated, and the functional significance of this variant is currently unknown. In summary, the available evidence is currently insufficient to determine the role of this variant in disease. Therefore, it has been classified as a Variant of Uncertain Significance.